The following is an entry in ClinVar:

ClinVar aggregate classification (germline): Uncertain significance (0 of 4 stars; one submission).

Conditions:
NOTCH2-related disorder. Also called: NOTCH2-related condition.

gnomAD v4.1: 2 of 1,614,048 alleles (0.00012%); highest among the groups gnomAD compares: African/African-American, 0.0027%; no homozygotes.

Submission:

PreventionGenetics, part of Exact Sciences
Classification: Uncertain significance for NOTCH2-related condition. Last evaluated: 2024-06-11. Review status: no assertion criteria provided. Collection method: clinical testing. Allele origin: germline.
Comment: The NOTCH2 c.5269C>T variant is predicted to result in the amino acid substitution p.His1757Tyr. To our knowledge, this variant has not been reported in the literature. This variant is reported in 0.023% of alleles in individuals of African descent in gnomAD, which may be too common to be a primary cause of disease. The clinical significance of this variant is uncertain due to the absence of conclusive functional and genetic evidence.

NM_024408.4(NOTCH2):c.5269C>T (p.His1757Tyr)

Gene: NOTCH2 (notch receptor 2; minus strand). Cytogenetic location: 1p12.
Variant type: single nucleotide variant.
Coding change: c.5269C>T on transcript NM_024408.4 (MANE Select); coding-DNA position 5269, C replaced by T.
Protein change: p.His1757Tyr; replaces histidine 1757 with tyrosine.
Molecular consequence: missense variant.
Genome position (GRCh38, 1-based): chr1:119,921,754, G>A on the plus strand (C>T on the coding strand, the complement: NOTCH2 is on the minus strand). VCF-style: chr1-119921754-G-A. GRCh37 (hg19) VCF-style: chr1-120464377-G-A.
Other names: short protein forms H1757Y.
Identifiers: ClinVar variation 3344349 (VCV003344349.1).